The following is an entry in ClinVar:

ClinVar aggregate classification (germline): Conflicting classifications of pathogenicity. Review status: criteria provided, conflicting classifications (1 of 4 stars). 3 submissions from 3 submitters: Pathogenic (2); Uncertain significance (1). Last evaluated 2025-12-09.

Conditions:
Usher syndrome, type 4. Also called: USHER SYNDROME, TYPE IV. Identifiers: MedGen C4748364, MONDO:0029141, OMIM 618144.

Submissions (3):

3billion
Classification: Pathogenic for Usher syndrome, type 4. Last evaluated: 2025-12-09. Review status: criteria provided, single submitter. Criteria: ACMG Guidelines, 2015. Collection method: clinical testing. Allele origin: germline. Affected: yes.
Comment: The variant is observed at an extremely low frequency in the gnomAD v4.1.0 dataset (total allele frequency: <0.001%). Predicted Consequence/Location: Canonical splice site: predicted to alter splicing and result in a loss or disruption of normal protein function. Multiple pathogenic loss-of-function variants are reported downstream of the variant. In silico tools predict the variant to alter splicing and produce an abnormal transcript [SpliceAI: 0.82 (spliceogenicity >=0.2, non-spliceogenicity <0.1)]. The variant has been reported to be associated with ARSG-related disorder (ClinVar ID: VCV000934158 /PMID: 34223797). Therefore, this variant is classified as Pathogenic according to the recommendation of ACMG/AMP guideline.

Labcorp Genetics (formerly Invitae), Labcorp
Classification: Pathogenic. Last evaluated: 2022-09-27. Review status: criteria provided, single submitter. Criteria: Invitae Variant Classification Sherloc (09022015). Collection method: clinical testing. Allele origin: germline.
Comment: For these reasons, this variant has been classified as Pathogenic. Variants that disrupt the consensus splice site are a relatively common cause of aberrant splicing (PMID: 17576681, 9536098). Algorithms developed to predict the effect of sequence changes on RNA splicing suggest that this variant may disrupt the consensus splice site. This sequence change falls in intron 5 of the ARSG gene. It does not directly change the encoded amino acid sequence of the ARSG protein. It affects a nucleotide within the consensus splice site. This variant is present in population databases (rs780102540, gnomAD 0.04%). This variant has been observed in individual(s) with clinical features of Usher syndrome (PMID: 34223797; Invitae). In at least one individual the data is consistent with being in trans (on the opposite chromosome) from a pathogenic variant. It has also been observed to segregate with disease in related individuals. ClinVar contains an entry for this variant (Variation ID: 934158).

Blueprint Genetics
Classification: Uncertain significance. Last evaluated: 2022-07-27. Review status: criteria provided, single submitter. Criteria: ACMG Guidelines, 2015. Collection method: clinical testing. Allele origin: germline.

Literature cited by the submitters: PubMed 34223797 (cited by 3billion and Labcorp Genetics (formerly Invitae), Labcorp); PubMed 17576681 (cited by Labcorp Genetics (formerly Invitae), Labcorp); PubMed 9536098 (cited by Labcorp Genetics (formerly Invitae), Labcorp).

NM_001267727.2(ARSG):c.566+3_566+8del

Gene: ARSG (arylsulfatase G; plus strand). Cytogenetic location: 17q24.2.
Variant type: Deletion.
Coding change: c.566+3_566+8del on transcript NM_001267727.2 (MANE Select); bases 3 to 8 of the intron after coding-DNA position 566, 6 bases deleted (AATGCT; older notation c.566+3_566+8delAATGCT).
Molecular consequence: splice donor variant.
Genome position (GRCh38, 1-based): chr17:68,351,689-68,351,694, AATGCT deleted; deleting any 6 consecutive bases within chr17:68,351,688-68,351,694 gives the same sequence; the c. name uses the placement nearest the transcript's 3' end. VCF-style (leftmost placement, unchanged base first): chr17-68351687-GTAATGC-G. GRCh37 (hg19) VCF-style: chr17-66347828-GTAATGC-G.
Other names: c.566+3_566+8del (NM_001352904.2, NM_014960.5, NM_001352903.2 and 8 more transcripts); c.518+3_518+8del (NM_001352909.2).
Identifiers: ClinVar variation 934158 (VCV000934158.11), dbSNP rs780102540, ClinGen allele CA8728265.